The following is an entry in ClinVar:

NM_130849.4(SLC39A4):c.1474+2_1474+11del

Gene: SLC39A4 (solute carrier family 39 member 4; minus strand). Cytogenetic location: 8q24.3.
Variant type: Microsatellite.
Coding change: c.1474+2_1474+11del on transcript NM_130849.4 (MANE Select); the canonical splice donor site of the intron after coding-DNA position 1474 through 11 bases into the intron after coding-DNA position 1474, 10 bases deleted (TGAGCCCAGG; older notation c.1474+2_1474+11delTGAGCCCAGG).
Molecular consequence: splice donor variant.
Genome position (GRCh38, 1-based): chr8:144,413,502-144,413,511, CCTGGGCTCA deleted on the plus strand (TGAGCCCAGG on the coding strand, the reverse complement: SLC39A4 is on the minus strand); deleting any 10 consecutive bases within chr8:144,413,502-144,413,521 gives the same sequence; the c. name uses the placement nearest the transcript's 3' end. VCF-style (leftmost placement, unchanged base first): chr8-144413501-CCCTGGGCTCA-C. GRCh37 (hg19) VCF-style: chr8-145638885-CCCTGGGCTCA-C.
Other names: c.1192+2_1192+11del (NM_001374839.1); c.1399+2_1399+11del (NM_017767.3); c.-21+2_-21+11del (NM_001280557.2).
Identifiers: ClinVar variation 2994424 (VCV002994424.3), ClinGen allele CA1120276383.

ClinVar aggregate classification (germline): Likely pathogenic (1 of 4 stars; one submission).

Submission:

Labcorp Genetics (formerly Invitae), Labcorp
Classification: Likely pathogenic. Last evaluated: 2023-10-28. Review status: criteria provided, single submitter. Criteria: Invitae Variant Classification Sherloc (09022015). Collection method: clinical testing. Allele origin: germline.
Comment: This sequence change affects a splice site in intron 9 of the SLC39A4 gene. It is expected to disrupt RNA splicing. Variants that disrupt the donor or acceptor splice site typically lead to a loss of protein function (PMID: 16199547), and loss-of-function variants in SLC39A4 are known to be pathogenic (PMID: 12955721). This variant is not present in population databases (gnomAD no frequency). This variant has not been reported in the literature in individuals affected with SLC39A4-related conditions. Algorithms developed to predict the effect of sequence changes on RNA splicing suggest that this variant may disrupt the consensus splice site. In summary, the currently available evidence indicates that the variant is pathogenic, but additional data are needed to prove that conclusively. Therefore, this variant has been classified as Likely Pathogenic.

Literature cited by the submitters: PubMed 16199547; PubMed 12955721.